The following is an entry in ClinVar:

ClinVar aggregate classification (germline): Pathogenic. Review status: criteria provided, single submitter (1 of 4 stars). 2 submissions from 2 submitters: Pathogenic (1). 1 of the submissions does not count toward it. Last evaluated 2024-11-13.

Conditions:
Neurodegeneration with brain iron accumulation 5 (NBIA5). Also called: STATIC ENCEPHALOPATHY OF CHILDHOOD WITH NEURODEGENERATION IN ADULTHOOD; Beta-propeller protein-associated neurodegeneration. Identifiers: Orphanet 329284, MedGen C3550973, MONDO:0010476, OMIM 300894.

Submissions (2):

3billion
Classification: Pathogenic for Neurodegeneration with brain iron accumulation 5. Last evaluated: 2024-11-13. Review status: criteria provided, single submitter. Criteria: ACMG Guidelines, 2015. Collection method: clinical testing. Allele origin: germline. Affected: yes.
Comment: The variant is not observed in the gnomAD v4.1.0 dataset. Predicted Consequence/Location: Canonical splice site: predicted to alter splicing and result in a loss or disruption of normal protein function. Multiple pathogenic loss-of-function variants are reported downstream of the variant. The variant has been reported to be associated with WDR45 related disorder (ClinVar ID: VCV000375868). Therefore, this variant is classified as Pathogenic according to the recommendation of ACMG/AMP guideline.

Centre de Biologie Pathologie Génétique, Centre Hospitalier Universitaire de Lille
Classification: Pathogenic for Neurodegeneration with brain iron accumulation 5. Review status: no assertion criteria provided. Collection method: clinical testing. Allele origin: de novo. Inheritance: Autosomal dominant inheritance. Affected: yes. Observed: 1 variant allele, 1 heterozygote. Not counted in ClinVar's aggregate classification.

NM_001029896.2(WDR45):c.55+2_55+3del

Genes: WDR45 (WD repeat domain 45; minus strand), LOC126863256 (BRD4-independent group 4 enhancer GRCh37_chrX:48934848-48936047; plus strand). Cytogenetic location: Xp11.23.
Variant type: Deletion.
Coding change: c.55+2_55+3del on transcript NM_001029896.2 (MANE Select); the canonical splice donor site of the intron after coding-DNA position 55 through 3 bases into the intron after coding-DNA position 55, 2 bases deleted (TG; older notation c.55+2_55+3delTG).
Molecular consequence: splice donor variant.
Genome position (GRCh38, 1-based): chrX:49,078,038-49,078,039, CA deleted on the plus strand (TG on the coding strand, the reverse complement: WDR45 is on the minus strand); deleting any 2 consecutive bases within chrX:49,078,038-49,078,040 gives the same sequence; the c. name uses the placement nearest the transcript's 3' end. VCF-style (leftmost placement, unchanged base first): chrX-49078037-TCA-T. GRCh37 (hg19) VCF-style: chrX-48935696-TCA-T.
Other names: c.55+2_55+3del (NM_007075.4).
Identifiers: ClinVar variation 375868 (VCV000375868.4), dbSNP rs1057519622, ClinGen allele CA16602357.
Genomic context (GRCh38, chrX:49,078,037, plus strand): 5'-CCCACTTCTGACCCCTCTTTTCCTCGCTTCCTCCCACAAGGGTACAGGCCCAATCCTCTC[TCA>T]CTTTGGTCTTGGTTGAAACGCAGGCTGGTCACTCCTCGAAGTGGCTGTTGAGTCATGGTG-3'